The following is an entry in ClinVar:

ClinVar aggregate classification (germline): Conflicting classifications of pathogenicity. Review status: criteria provided, conflicting classifications (1 of 4 stars). 2 submissions from 2 submitters: Uncertain significance (1); Likely benign (1). Last evaluated 2024-09-12.

Conditions:
Charcot-Marie-Tooth disease axonal type 2O. Also called: CHARCOT-MARIE-TOOTH NEUROPATHY, AXONAL, TYPE 2O; CHARCOT-MARIE-TOOTH DISEASE, AXONAL, AUTOSOMAL DOMINANT, TYPE 2O; Charcot-Marie-Tooth Neuropathy Type 2O; Charcot-Marie-Tooth disease, axonal, type 20. Identifiers: Orphanet 284232, MedGen C3280220, MONDO:0013644, OMIM 614228.

Allele frequency attached by ClinVar (database versions not stated): gnomAD exomes below 0.00001; TOPMed below 0.00001.
gnomAD v4.1: 22 of 1,614,108 alleles (0.0014%); highest among the groups gnomAD compares: Non-Finnish European, 0.0018%; no homozygotes.

Submissions (2):

Labcorp Genetics (formerly Invitae), Labcorp
Classification: Likely benign for Charcot-Marie-Tooth disease axonal type 2O. Last evaluated: 2024-09-12. Review status: criteria provided, single submitter. Criteria: Invitae Variant Classification Sherloc (09022015). Collection method: clinical testing. Allele origin: germline.

ARUP Laboratories, Molecular Genetics and Genomics, ARUP Laboratories
Classification: Uncertain significance. Last evaluated: 2024-04-03. Review status: criteria provided, single submitter. Criteria: ARUP Molecular Germline Variant Investigation Process 2024. Collection method: clinical testing. Allele origin: germline.
Comment: The DYNC1H1 c.391G>A; p.Val131Met variant (rs1488184652), to our knowledge, is not reported in the medical literature but is reported in ClinVar (Variation ID: 1365963). This variant is only observed on one allele in the Genome Aggregation Database (v2.1.1), indicating it is not a common polymorphism. Computational analyses are uncertain whether this variant is neutral or deleterious (REVEL: 0.172). Due to limited information, the clinical significance of this variant is uncertain at this time.

NM_001376.5(DYNC1H1):c.391G>A (p.Val131Met)

Gene: DYNC1H1 (dynein cytoplasmic 1 heavy chain 1; plus strand). Cytogenetic location: 14q32.31.
Variant type: single nucleotide variant.
Coding change: c.391G>A on transcript NM_001376.5 (MANE Select); coding-DNA position 391, G replaced by A.
Protein change: p.Val131Met; replaces valine 131 with methionine.
Molecular consequence: missense variant.
Genome position (GRCh38, 1-based): chr14:101,979,365, G>A. VCF-style: chr14-101979365-G-A. GRCh37 (hg19) VCF-style: chr14-102445702-G-A.
Other names: short protein forms V131M.
Identifiers: ClinVar variation 1365963 (VCV001365963.7), dbSNP rs1488184652, ClinGen allele CA391007400.